The following is an entry in ClinVar:

NC_000011.9:g.(?_66293574)_(66299508_?)del

Gene: BBS1 (Bardet-Biedl syndrome 1; plus strand). Cytogenetic location: 11q13.2.
Variant type: Deletion.
Identifiers: ClinVar variation 1458135 (VCV001458135.6).

ClinVar aggregate classification (germline): Pathogenic (1 of 4 stars; one submission).

Conditions:
Bardet-Biedl syndrome (BBS). Identifiers: Orphanet 110, MedGen C0752166, MONDO:0015229.

Submission:

Labcorp Genetics (formerly Invitae), Labcorp
Classification: Pathogenic for Bardet-Biedl syndrome. Last evaluated: 2022-02-24. Review status: criteria provided, single submitter. Criteria: Invitae Variant Classification Sherloc (09022015). Collection method: clinical testing. Allele origin: germline.
Comment: This variant is a gross deletion of the genomic region encompassing exon(s) 12-17 of the BBS1 gene, which includes the termination codon. This deletion extends beyond the assayed region for this gene and therefore may encompass additional genes. While this deletion is not anticipated to lead to nonsense mediated decay, it is expected to alter mRNA translation or result in a truncated protein product. This variant has not been reported in the literature in individuals affected with BBS1-related conditions. The region of the BBS1 gene that includes exon(s) 13-17 has been determined to be clinically significant (PMID: 27894351; Invitae). Therefore, deletions that encompass that region are likely to be disease-causing. For these reasons, this variant has been classified as Pathogenic.

Literature cited by the submitters: PubMed 27894351.